The following is an entry in ClinVar:

ClinVar aggregate classification (germline): Uncertain significance (1 of 4 stars; one submission).

Allele frequency attached by ClinVar (database versions not stated): gnomAD exomes below 0.00001.
gnomAD v4.1: 1 of 1,613,936 alleles (0.000062%); highest among the groups gnomAD compares: Non-Finnish European, 0.000085%; no homozygotes.

Submission:

Labcorp Genetics (formerly Invitae), Labcorp
Classification: Uncertain significance. Last evaluated: 2022-06-13. Review status: criteria provided, single submitter. Criteria: Invitae Variant Classification Sherloc (09022015). Collection method: clinical testing. Allele origin: germline.
Comment: In summary, the available evidence is currently insufficient to determine the role of this variant in disease. Therefore, it has been classified as a Variant of Uncertain Significance. Algorithms developed to predict the effect of missense changes on protein structure and function are either unavailable or do not agree on the potential impact of this missense change (SIFT: "Tolerated"; PolyPhen-2: "Not Available"; Align-GVGD: "Class C0"). This variant has not been reported in the literature in individuals affected with PCLO-related conditions. This variant is not present in population databases (gnomAD no frequency). This sequence change replaces histidine, which is basic and polar, with arginine, which is basic and polar, at codon 2831 of the PCLO protein (p.His2831Arg).

NM_033026.6(PCLO):c.8492A>G (p.His2831Arg)

Gene: PCLO (piccolo presynaptic cytomatrix protein; minus strand). Cytogenetic location: 7q21.11.
Variant type: single nucleotide variant.
Coding change: c.8492A>G on transcript NM_033026.6 (MANE Select); coding-DNA position 8492, A replaced by G.
Protein change: p.His2831Arg; replaces histidine 2831 with arginine.
Molecular consequence: missense variant.
Genome position (GRCh38, 1-based): chr7:82,952,461, T>C on the plus strand (A>G on the coding strand, the complement: PCLO is on the minus strand). VCF-style: chr7-82952461-T-C. GRCh37 (hg19) VCF-style: chr7-82581777-T-C.
Other names: c.8492A>G, p.His2831Arg (NM_014510.3); short protein forms H2831R.
Identifiers: ClinVar variation 2113936 (VCV002113936.4), dbSNP rs2535689062, ClinGen allele CA367911038.
Genomic context (GRCh38, chr7:82,952,461, plus strand): 5'-GCTTCTTCCCTAGCTATAGGAAAGACCTGGTCACTTGGTATCCTGTATGGGGGCTCAGCA[T>C]GCTTTGATGTTGTAAGTTGGAGTGGTGTTGTCATTGCATGTTCTGCACCCACTAGGCTTT-3'
Protein context (NP_149015.2, residues 2821-2841): TTPLQLTTSK[His2831Arg]AEPPYRIPSD